The following is an entry in ClinVar:

ClinVar aggregate classification (germline): Uncertain significance. Review status: criteria provided, multiple submitters, no conflicts (2 of 4 stars). 2 submissions from 2 submitters: Uncertain significance (2). Last evaluated 2026-01-05.

Conditions:
Inborn genetic diseases. Identifiers: MedGen C0950123, MeSH D030342.

Submissions (2):

Ambry Genetics
Classification: Uncertain significance for Inborn genetic diseases. Last evaluated: 2026-01-05. Review status: criteria provided, single submitter. Criteria: Ambry Variant Classification Scheme 2023. Collection method: clinical testing. Allele origin: germline.

GeneDx
Classification: Uncertain significance. Last evaluated: 2021-04-26. Review status: criteria provided, single submitter. Criteria: GeneDx Variant Classification Process June 2021. Collection method: clinical testing. Allele origin: germline. Affected: yes.
Comment: Not observed in large population cohorts (Lek et al., 2016); In silico analysis supports that this missense variant has a deleterious effect on protein structure/function; Has not been previously published as pathogenic or benign to our knowledge

NM_018896.5(CACNA1G):c.5575A>G (p.Lys1859Glu)

Gene: CACNA1G (calcium voltage-gated channel subunit alpha1 G; plus strand). Cytogenetic location: 17q21.33.
Variant type: single nucleotide variant.
Coding change: c.5575A>G on transcript NM_018896.5 (MANE Select); coding-DNA position 5575, A replaced by G.
Protein change: p.Lys1859Glu; replaces lysine 1859 with glutamic acid.
Molecular consequence: missense variant. On other transcripts: non-coding transcript variant (5).
Genome position (GRCh38, 1-based): chr17:50,618,802, A>G. VCF-style: chr17-50618802-A-G. GRCh37 (hg19) VCF-style: chr17-48696163-A-G.
Other names: c.5575A>G (NM_018896.3); c.5521A>G, p.Lys1841Glu (NM_001256324.2, NM_198386.3); c.5596A>G, p.Lys1866Glu (NM_001256325.2); c.5440A>G, p.Lys1814Glu (NM_001256326.2, NM_001256330.2); c.5554A>G, p.Lys1852Glu (NM_001256327.2); c.5500A>G, p.Lys1834Glu (NM_001256328.2); c.5473A>G, p.Lys1825Glu (NM_001256329.2, NM_198376.3, NM_198379.3 and 2 more transcripts); c.5419A>G, p.Lys1807Glu (NM_001256331.2); and 8 more; short protein forms K1802E, K1807E, K1814E, K1818E, K1821E, K1823E, K1825E, K1832E.
Identifiers: ClinVar variation 1314693 (VCV001314693.3), dbSNP rs2146292985, ClinGen allele CA400265767.
Genomic context (GRCh38, chr17:50,618,802, plus strand): 5'-CAGTTCGTGCTAGTCAACGTGGTGATCGCCGTGCTGATGAAGCACCTGGAGGAGAGCAAC[A>G]AGGAGGCCAAGGAGGAGGCCGAGCTAGAGGCTGAGCTGGAGCTGGAGATGAAGACCCTCA-3'
Protein context (NP_061496.2, residues 1849-1869): VLMKHLEESN[Lys1859Glu]EAKEEAELEA